The following is an entry in ClinVar:

ClinVar aggregate classification (germline): Pathogenic. Review status: criteria provided, multiple submitters, no conflicts (2 of 4 stars). 2 submissions from 2 submitters: Pathogenic (2). Last evaluated 2026-03-09.

Conditions:
Polycystic kidney disease, adult type (PKD1). Also called: Polycystic Kidney Disease 1, Autosomal Dominant; Polycystic kidney disease 1; Polycystic kidney disease 1, severe; Polycystic Kidney, Autosomal Dominant; POLYCYSTIC KIDNEY DISEASE 1 WITH OR WITHOUT POLYCYSTIC LIVER DISEASE; POLYCYSTIC KIDNEY DISEASE, ADULT, TYPE I. Identifiers: MedGen C3149841, MONDO:0008263, OMIM 173900.

Submissions (2):

Women's Health and Genetics/Laboratory Corporation of America, LabCorp
Classification: Pathogenic for Polycystic kidney disease, adult type. Last evaluated: 2026-03-09. Review status: criteria provided, single submitter. Criteria: LabCorp Variant Classification Summary - May 2015. Collection method: clinical testing. Allele origin: germline.
Comment: Variant summary: PKD1 c.8343delC (p.Ile2781MetfsX94) results in a premature termination codon, predicted to cause a truncation of the encoded protein or absence of the protein due to nonsense mediated decay, which are commonly known mechanisms for disease. The variant was absent in 244554 control chromosomes. To our knowledge, no occurrence of c.8343delC in individuals affected with PKD1-related conditions and no experimental evidence demonstrating its impact on protein function have been reported. ClinVar contains an entry for this variant (Variation ID: 3579189). Based on the evidence outlined above, the variant was classified as pathogenic.

Fulgent Genetics
Classification: Pathogenic for Polycystic kidney disease, adult type. Last evaluated: 2024-03-07. Review status: criteria provided, single submitter. Criteria: ACMG Guidelines, 2015. Collection method: clinical testing. Allele origin: germline.

NM_001009944.3(PKD1):c.8343del (p.Ile2781fs)

Gene: PKD1 (polycystin 1, transient receptor potential channel interacting; minus strand). Cytogenetic location: 16p13.3.
Variant type: Deletion.
Coding change: c.8343del on transcript NM_001009944.3 (MANE Select); coding-DNA position 8343, one base deleted (C; older notation c.8343delC).
Protein change: p.Ile2781fs; shifts the reading frame from isoleucine 2781.
Molecular consequence: frameshift variant.
Genome position (GRCh38, 1-based): chr16:2,103,714, G deleted on the plus strand (C on the coding strand, the reverse complement: PKD1 is on the minus strand). VCF-style (leftmost placement, unchanged base first): chr16-2103713-CG-C. GRCh37 (hg19) VCF-style: chr16-2153714-CG-C.
Other names: c.8343del, p.Ile2781fs (NM_000296.4); c.8343delC (NM_001009944.3); short protein forms I2781fs.
Identifiers: ClinVar variation 3579189 (VCV003579189.2).